The following is an entry in ClinVar:

NM_013275.6(ANKRD11):c.3770_3771del (p.Lys1257fs)

Gene: ANKRD11 (ankyrin repeat domain 11; minus strand). Cytogenetic location: 16q24.3.
Variant type: Deletion.
Coding change: c.3770_3771del on transcript NM_013275.6 (MANE Select); coding-DNA positions 3770 to 3771, 2 bases deleted (AA; older notation c.3770_3771delAA).
Protein change: p.Lys1257fs; shifts the reading frame from lysine 1257.
Molecular consequence: frameshift variant.
Genome position (GRCh38, 1-based): chr16:89,282,771-89,282,772, TT deleted on the plus strand (AA on the coding strand, the reverse complement: ANKRD11 is on the minus strand); deleting any 2 consecutive bases within chr16:89,282,771-89,282,773 gives the same sequence; the c. name uses the placement nearest the transcript's 3' end. VCF-style (leftmost placement, unchanged base first): chr16-89282770-CTT-C. GRCh37 (hg19) VCF-style: chr16-89349178-CTT-C.
Other names: c.3770_3771del (NM_013275.5); c.3770_3771del, p.Lys1257fs (NM_001256182.2, NM_001256183.2); c.3770_3771delAA (NM_013275.6); short protein forms K1257fs.
Identifiers: ClinVar variation 265324 (VCV000265324.33), dbSNP rs886039477, ClinGen allele CA10588633.

ClinVar aggregate classification (germline): Pathogenic/Likely pathogenic. Review status: criteria provided, multiple submitters, no conflicts (2 of 4 stars). 13 submissions from 13 submitters: Pathogenic (10); Likely pathogenic (1). 2 of the submissions do not count toward it. Last evaluated 2025-11-25.

Conditions:
Rare genetic intellectual disability. Identifiers: Orphanet 183757, MedGen C5680527.
ANKRD11-related disorder. Also called: ANKRD11-related condition.
Inborn genetic diseases. Identifiers: MedGen C0950123, MeSH D030342.
KBG syndrome (KBGS). Also called: ANKRD11-Related KBG Syndrome. Identifiers: Orphanet 2332, MedGen C0220687, MONDO:0007846, OMIM 148050.

Submissions (13):

Rady Children's Institute for Genomic Medicine, Rady Children's Hospital San Diego
Classification: Pathogenic for KBG syndrome. Last evaluated: 2025-11-25. Review status: criteria provided, single submitter. Criteria: ACMG Guidelines, 2015. Collection method: clinical testing. Allele origin: germline. Affected: yes.
Comment: This frameshifting variant in exon 9 of 13 is predicted to result in loss of normal protein function through either protein truncation or nonsense-mediated mRNA decay. Loss-of-function variation in ANKRD11 is an established mechanism of disease (PMID: 21782149, 35330407). This variant has been previously reported as a de novo change in patients with KBG syndrome (PMID: 32124548, 35970914, 35175682). The c.3770_3771del (p.Lys1257ArgfsTer25) variant is absent from the latest version of the gnomAD population database and thus is presumed to be rare. Based on parental analysis, this variant likely occurred as a de novo event. Based on the available evidence, c.3770_3771del (p.Lys1257ArgfsTer25) is classified as Pathogenic.

Variantyx, Inc.
Classification: Pathogenic for KBG syndrome. Last evaluated: 2025-04-03. Review status: criteria provided, single submitter. Criteria: Variantyx Assertion Criteria 2022. Collection method: clinical testing. Allele origin: de novo. Inheritance: Autosomal dominant inheritance. Affected: yes.
Comment: This is a frameshift variant in the ANKRD11 gene (OMIM: 611192). Pathogenic variants in this gene have been associated with autosomal dominant KBG syndrome. This variant introduces a premature termination codon in exon 9 out of 13 and is expected to result in loss of function, which is a known disease mechanism for ANKRD11 in this disorder (PMID: 32725632, 21782149) (PVS1). This variant is absent from control populations (PM2). Based on the current evidence, this variant is classified as pathogenic for autosomal dominant KBG syndrome.

CeGaT Center for Human Genetics Tuebingen
Classification: Pathogenic. Last evaluated: 2025-02-01. Review status: criteria provided, single submitter. Criteria: CeGaT Center For Human Genetics Tuebingen Variant Classification Criteria Version 2. Collection method: clinical testing. Allele origin: germline. Affected: yes. Observed: 1 variant allele.
Comment: ANKRD11: PVS1, PM2, PM6, PS4:Moderate

Laboratorio de Genetica e Diagnostico Molecular, Hospital Israelita Albert Einstein
Classification: Pathogenic for KBG syndrome. Last evaluated: 2022-07-06. Review status: criteria provided, single submitter. Criteria: ACMG Guidelines, 2015. Collection method: clinical testing. Allele origin: germline. Affected: yes. Observed: 1 variant allele.
Comment: ACMG classification criteria: PVS1 very strong, PS4 strong, PM2 moderated, PM6 moderated

Ambry Genetics
Classification: Pathogenic for Inborn genetic diseases. Last evaluated: 2022-06-21. Review status: criteria provided, single submitter. Criteria: Ambry Variant Classification Scheme 2023. Collection method: clinical testing. Allele origin: germline.
Comment: The c.3770_3771delAA (p.K1257Rfs*25) alteration, located in exon 9 (coding exon 7) of the ANKRD11 gene, consists of a deletion of 2 nucleotides from position 3770 to 3771, causing a translational frameshift with a predicted alternate stop codon after 25 amino acids. This alteration is expected to result in loss of function by premature protein truncation or nonsense-mediated mRNA decay. This variant was not reported in population-based cohorts in the Genome Aggregation Database (gnomAD). This alteration has been reported as a de novo event in multiple unrelated individuals with KBG syndrome (Meyer, 2017; Gnazzo, 2020). Based on the available evidence, this alteration is classified as pathogenic.

Blueprint Genetics
Classification: Pathogenic for ANKRD11-related disorders. Last evaluated: 2022-03-21. Review status: criteria provided, single submitter. Criteria: ACMG Guidelines, 2015. Collection method: clinical testing. Allele origin: germline. Affected: yes. Observed: 1 variant allele.

GeneDx
Classification: Pathogenic. Last evaluated: 2021-11-10. Review status: criteria provided, single submitter. Criteria: GeneDx Variant Classification Process June 2021. Collection method: clinical testing. Allele origin: germline. Affected: yes.
Comment: Frameshift variant predicted to result in protein truncation or nonsense mediated decay in a gene for which loss-of-function is a known mechanism of disease; Not observed at significant frequency in large population cohorts (gnomAD); This variant is associated with the following publications: (PMID: 28529015, 31703437, 32124548, 25326635, 28135719)

New York Genome Center
Classification: Pathogenic for KBG syndrome. Last evaluated: 2020-05-15. Review status: criteria provided, single submitter. Criteria: NYGC Assertion Criteria 2020. Collection method: clinical testing. Allele origin: de novo. Observed: 1 heterozygote. Study: CSER-NYCKidSeq.
Comment: The de novo c.3770_3771del (p.Lys1257ArgfsTer25) variant identified in the ANKRD11 gene is the deletion of two nucleotides, resulting in the frameshift of the amino acid 1257/2664 (coding exon 9/13), and is predicted to lead to the premature termination of the protein approximately 25 amino acids downstream of the frameshift. This variant is absent from gnomAD(v3.0) suggesting it is not a common benign variant in the populations represented in that database. This variant is reported in ClinVar as Pathogenic (VarID: 265324) by two independent clinical labs who state the variant was identified de novo in affected individuals. Given its presence de novo in this individual, its deleterious nature, absence in population databases, and observation in multiple affected individuals in the literature, the c.3770_3771del (p.Lys1257ArgfsTer25) variant identified in the ANKRD11 gene is reported here as Pathogenic.

Baylor Genetics
Classification: Pathogenic for KBG syndrome. Last evaluated: 2017-09-01. Review status: criteria provided, single submitter. Criteria: ACMG Guidelines, 2015. Collection method: clinical testing. Allele origin: de novo. Inheritance: Autosomal dominant inheritance. Affected: yes.
Comment: This frameshift mutation is categorized as deleterious according to ACMG guidelines (PMID:18414213).

Clinical Genetics and Genomics, Karolinska University Hospital
Classification: Likely pathogenic. Last evaluated: 2015-01-19. Review status: criteria provided, single submitter. Criteria: ACMG Guidelines, 2015. Collection method: clinical testing. Allele origin: germline. Affected: yes. Observed: 1 variant allele.

Genome Medicine, Institute for Basic Research in Developmental Disabilities
Classification: Pathogenic for KBG syndrome. Review status: criteria provided, single submitter. Criteria: ACMG Guidelines, 2015. Collection method: clinical testing. Allele origin: de novo. Affected: yes. Observed: 1 variant allele.

Autoinflammatory diseases unit, CHU de Montpellier
Classification: Pathogenic for KBG syndrome. Last evaluated: 2024-06-24. Review status: no assertion criteria provided. Collection method: clinical testing. Allele origin: de novo. Affected: yes. Not counted in ClinVar's aggregate classification.

Service de Génétique Moléculaire, Hôpital Robert Debré
Classification: Likely pathogenic for Rare genetic intellectual disability. Review status: no assertion criteria provided. Collection method: clinical testing. Allele origin: unknown. Affected: yes. Not counted in ClinVar's aggregate classification.

Literature cited by the submitters: PubMed 35175682 (cited by Rady Children's Institute for Genomic Medicine, Rady Children's Hospital San Diego); PubMed 35970914 (cited by 3 submitters); PubMed 32725632 (cited by Variantyx, Inc.); PubMed 21782149 (cited by Variantyx, Inc.); PubMed 32124548 (cited by Variantyx, Inc. and Ambry Genetics); PubMed 37226940 (cited by Variantyx, Inc.); PubMed 28529015 (cited by Ambry Genetics); PubMed 25326635 (cited by Baylor Genetics).